The following is an entry in ClinVar:

ClinVar aggregate classification (germline): Conflicting classifications of pathogenicity. Review status: criteria provided, conflicting classifications (1 of 4 stars). 3 submissions from 3 submitters: Uncertain significance (2); Likely benign (1). Last evaluated 2026-06-16.

Conditions:
Neurofibromatosis, type 1 (NF1). Also called: VON RECKLINGHAUSEN DISEASE; NEUROFIBROMATOSIS, TYPE I, SOMATIC; Peripheral type neurofibromatosis; Neurofibromatosis, type I. Identifiers: Orphanet 636, MedGen C0027831, MONDO:0018975, OMIM 162200. Disease mechanism: loss of function.
Hereditary cancer-predisposing syndrome. Also called: Tumor predisposition; Hereditary neoplastic syndrome; Neoplastic Syndromes, Hereditary; Hereditary Cancer Syndrome. Identifiers: Orphanet 140162, MedGen C0027672, MeSH D009386, MONDO:0015356.
Cardiovascular phenotype. Identifiers: MedGen CN230736.

Allele frequency attached by ClinVar (database versions not stated): gnomAD exomes below 0.00001.
gnomAD v4.1: 1 of 1,613,712 alleles (0.000062%); highest among the groups gnomAD compares: Admixed American, 0.0017%; no homozygotes.

Submissions (3):

Ambry Genetics
Classification: Likely benign for Cardiovascular phenotype; Hereditary cancer-predisposing syndrome. Last evaluated: 2026-06-16. Review status: criteria provided, single submitter. Criteria: Ambry Variant Classification Scheme 2023. Collection method: clinical testing. Allele origin: germline.

Labcorp Genetics (formerly Invitae), Labcorp
Classification: Uncertain significance for Neurofibromatosis, type 1. Last evaluated: 2023-11-11. Review status: criteria provided, single submitter. Criteria: Invitae Variant Classification Sherloc (09022015). Collection method: clinical testing. Allele origin: germline.
Comment: This sequence change replaces serine, which is neutral and polar, with cysteine, which is neutral and slightly polar, at codon 644 of the NF1 protein (p.Ser644Cys). This variant is present in population databases (no rsID available, gnomAD no frequency). This variant has not been reported in the literature in individuals affected with NF1-related conditions. ClinVar contains an entry for this variant (Variation ID: 840413). Advanced modeling of protein sequence and biophysical properties (such as structural, functional, and spatial information, amino acid conservation, physicochemical variation, residue mobility, and thermodynamic stability) performed at Invitae indicates that this missense variant is not expected to disrupt NF1 protein function with a negative predictive value of 95%. In summary, the available evidence is currently insufficient to determine the role of this variant in disease. Therefore, it has been classified as a Variant of Uncertain Significance.

GeneDx
Classification: Uncertain significance. Last evaluated: 2022-08-31. Review status: criteria provided, single submitter. Criteria: GeneDx Variant Classification Process June 2021. Collection method: clinical testing. Allele origin: germline. Affected: yes.
Comment: In silico analysis supports that this missense variant does not alter protein structure/function; Has not been previously published as pathogenic or benign to our knowledge; This variant is associated with the following publications: (PMID: 25486365)

NM_001042492.3(NF1):c.1931C>G (p.Ser644Cys)

Gene: NF1 (neurofibromin 1; plus strand). Cytogenetic location: 17q11.2.
Variant type: single nucleotide variant.
Coding change: c.1931C>G on transcript NM_001042492.3 (MANE Select); coding-DNA position 1931, C replaced by G.
Protein change: p.Ser644Cys; replaces serine 644 with cysteine.
Molecular consequence: missense variant.
Genome position (GRCh38, 1-based): chr17:31,225,180, C>G. VCF-style: chr17-31225180-C-G. GRCh37 (hg19) VCF-style: chr17-29552198-C-G.
Other names: c.1931C>G, p.Ser644Cys (NM_000267.4); short protein forms S644C.
Identifiers: ClinVar variation 840413 (VCV000840413.9), dbSNP rs1174202288, ClinGen allele CA399005382.
Genomic context (GRCh38, chr17:31,225,180, plus strand): 5'-TTCTCCTTTTTTACGGGGTAGGATGTGATATTCCTTCTAGTGGAAATACCAGTCAAATGT[C>G]CATGGATCATGAAGAATTACTACGTACTCCTGGAGCCTCTCTCCGGAAGGGAAAAGGGAA-3'
Protein context (NP_001035957.1, residues 634-654): IPSSGNTSQM[Ser644Cys]MDHEELLRTP